The following is an entry in ClinVar:

ClinVar aggregate classification (germline): Pathogenic (1 of 4 stars; one submission).

Conditions:
Hereditary nonpolyposis colorectal neoplasms. Identifiers: MedGen C0009405, MeSH D003123.

Submission:

Labcorp Genetics (formerly Invitae), Labcorp
Classification: Pathogenic for Hereditary nonpolyposis colon cancer. Last evaluated: 2018-09-17. Review status: criteria provided, single submitter. Criteria: Invitae Variant Classification Sherloc (09022015). Collection method: clinical testing. Allele origin: germline.
Comment: This variant is a gross deletion of the genomic region encompassing exons 11-15 of the PMS2 gene. The 5' boundary is likely confined to intron 11. The 3' end of this event is unknown as it extends through the termination codon beyond the assayed region for this gene and may encompass additional genes. While this deletion is not anticipated to result in nonsense mediated decay, it is expected to create a truncated PMS2 protein. Similar deletions of exons 11-15 have been reported in the literature in individual affected with colorectal cancer and Lynch syndrome (PMID: 20186688, 15942039). Sub-genic deletion of exons 14-15 disrupting the C-terminal portion of the MLH1 interaction domain being required for PMS2-MLH1 dimerization (PMID: 10037723) and mismatch repair activity (PMID: 16338176, 20533529) has been determined to be pathogenic (PMID: 21618646, 24440087, 26318770,Â¬â€ Invitae). Therefore, deletions that fully encompass that region are also expected to be pathogenic. For these reasons, this variant has been classified as Pathogenic.

Literature cited by the submitters: PubMed 20533529; PubMed 16338176; PubMed 20186688; PubMed 21618646; PubMed 26318770; PubMed 15942039; PubMed 24440087; PubMed 10037723.

NC_000007.14:g.(?_5973393)_(5982997_?)del

Gene: PMS2 (PMS1 homolog 2, mismatch repair system component; minus strand). Cytogenetic location: 7p22.1.
Variant type: Deletion.
Identifiers: ClinVar variation 455086 (VCV000455086.2).